The following is an entry in ClinVar:

ClinVar aggregate classification (germline): Conflicting classifications of pathogenicity. Review status: criteria provided, conflicting classifications (1 of 4 stars). 3 submissions from 3 submitters: Uncertain significance (2); Likely benign (1). Last evaluated 2026-01-11.

Conditions:
USH2A-related disorder. Also called: USH2A-related condition; USH2A-related disorders. Identifiers: MedGen CN239332.

Allele frequency attached by ClinVar (database versions not stated): ExAC 0.00004; gnomAD 0.00004 and 0.00005; gnomAD exomes 0.00004 and 0.00008; TOPMed 0.00005.
gnomAD v4.1: 67 of 1,613,640 alleles (0.0042%); highest among the groups gnomAD compares: South Asian, 0.04%; 1 homozygote.

Submissions (3):

Labcorp Genetics (formerly Invitae), Labcorp
Classification: Likely benign. Last evaluated: 2026-01-11. Review status: criteria provided, single submitter. Criteria: Invitae Variant Classification Sherloc (09022015). Collection method: clinical testing. Allele origin: germline.

PreventionGenetics, part of Exact Sciences
Classification: Uncertain significance for USH2A-related condition. Last evaluated: 2025-09-29. Review status: criteria provided, single submitter. Criteria: ACMG Guidelines, 2015. Collection method: clinical testing. Allele origin: germline.
Comment: The USH2A c.7429G>A variant is predicted to result in the amino acid substitution p.Asp2477Asn. To our knowledge, this variant has not been reported in the literature. This variant is reported in 0.046% of alleles in individuals of South Asian descent in gnomAD. At this time, the clinical significance of this variant is uncertain due to the absence of conclusive functional and genetic evidence.

GeneDx
Classification: Uncertain significance. Last evaluated: 2025-05-19. Review status: criteria provided, single submitter. Criteria: GeneDx Variant Classification Process June 2021. Collection method: clinical testing. Allele origin: germline. Affected: yes.
Comment: In silico analysis suggests that this missense variant does not alter protein structure/function; Has not been previously published as pathogenic or benign to our knowledge

NM_206933.4(USH2A):c.7429G>A (p.Asp2477Asn)

Gene: USH2A (usherin; minus strand). Cytogenetic location: 1q41.
Variant type: single nucleotide variant.
Coding change: c.7429G>A on transcript NM_206933.4 (MANE Select); coding-DNA position 7429, G replaced by A.
Protein change: p.Asp2477Asn; replaces aspartic acid 2477 with asparagine.
Molecular consequence: missense variant.
Genome position (GRCh38, 1-based): chr1:215,900,777, C>T on the plus strand (G>A on the coding strand, the complement: USH2A is on the minus strand). VCF-style: chr1-215900777-C-T. GRCh37 (hg19) VCF-style: chr1-216074119-C-T.
Other names: short protein forms D2477N.
Identifiers: ClinVar variation 1113140 (VCV001113140.17), dbSNP rs772852467, ClinGen allele CA1394856.